The following is an entry in ClinVar:

NM_000057.4(BLM):c.3586A>C (p.Ser1196Arg)

Gene: BLM (BLM RecQ like helicase; plus strand). Cytogenetic location: 15q26.1.
Variant type: single nucleotide variant.
Coding change: c.3586A>C on transcript NM_000057.4 (MANE Select); coding-DNA position 3586, A replaced by C.
Protein change: p.Ser1196Arg; replaces serine 1196 with arginine.
Molecular consequence: missense variant. On other transcripts: intron variant (1).
Genome position (GRCh38, 1-based): chr15:90,804,194, A>C. VCF-style: chr15-90804194-A-C. GRCh37 (hg19) VCF-style: chr15-91347424-A-C.
Other names: c.3586A>C, p.Ser1196Arg (NM_001287246.2); c.2461A>C, p.Ser821Arg (NM_001287248.2); c.3359-4943A>C (NM_001287247.2); short protein forms S821R, S1196R.
Identifiers: ClinVar variation 2750882 (VCV002750882.3), dbSNP rs2505549589, ClinGen allele CA393847939.

ClinVar aggregate classification (germline): Uncertain significance (1 of 4 stars; one submission).

Conditions:
Bloom syndrome (BLM). Also called: Bloom-Torre-Machacek syndrome. Identifiers: Orphanet 125, MedGen C0005859, MONDO:0008876, OMIM 210900.

Submission:

Labcorp Genetics (formerly Invitae), Labcorp
Classification: Uncertain significance for Bloom syndrome. Last evaluated: 2024-04-05. Review status: criteria provided, single submitter. Criteria: Invitae Variant Classification Sherloc (09022015). Collection method: clinical testing. Allele origin: germline.
Comment: This sequence change replaces serine, which is neutral and polar, with arginine, which is basic and polar, at codon 1196 of the BLM protein (p.Ser1196Arg). This variant is not present in population databases (gnomAD no frequency). This variant has not been reported in the literature in individuals affected with BLM-related conditions. Advanced modeling of protein sequence and biophysical properties (such as structural, functional, and spatial information, amino acid conservation, physicochemical variation, residue mobility, and thermodynamic stability) performed at Invitae indicates that this missense variant is not expected to disrupt BLM protein function with a negative predictive value of 80%. In summary, the available evidence is currently insufficient to determine the role of this variant in disease. Therefore, it has been classified as a Variant of Uncertain Significance.